The following is an entry in ClinVar:

NM_015166.4(MLC1):c.838T>C (p.Ser280Pro)

Gene: MLC1 (modulator of VRAC current 1; minus strand). Cytogenetic location: 22q13.33.
Variant type: single nucleotide variant.
Coding change: c.838T>C on transcript NM_015166.4 (MANE Select); coding-DNA position 838, T replaced by C.
Protein change: p.Ser280Pro; replaces serine 280 with proline.
Molecular consequence: missense variant. On other transcripts: non-coding transcript variant (3).
Genome position (GRCh38, 1-based): chr22:50,068,489, A>G on the plus strand (T>C on the coding strand, the complement: MLC1 is on the minus strand). VCF-style: chr22-50068489-A-G. GRCh37 (hg19) VCF-style: chr22-50506918-A-G.
Other names: c.838T>C, p.Ser280Pro (NM_001376472.1, NM_001376473.1, NM_001376474.1 and 5 more transcripts); c.781T>C, p.Ser261Pro (NM_001376479.1); c.748T>C, p.Ser250Pro (NM_001376480.1); c.736T>C, p.Ser246Pro (NM_001376481.1); c.682T>C, p.Ser228Pro (NM_001376482.1, NM_001376483.1); c.601T>C, p.Ser201Pro (NM_001376484.1); short protein forms S246P, S250P, S280P, S261P, S201P, S228P.
Identifiers: ClinVar variation 1998382 (VCV001998382.4), dbSNP rs2518488167, ClinGen allele CA412107675.

ClinVar aggregate classification (germline): Uncertain significance (1 of 4 stars; one submission).

Submission:

Labcorp Genetics (formerly Invitae), Labcorp
Classification: Uncertain significance. Last evaluated: 2022-09-13. Review status: criteria provided, single submitter. Criteria: Invitae Variant Classification Sherloc (09022015). Collection method: clinical testing. Allele origin: germline.
Comment: In summary, the available evidence is currently insufficient to determine the role of this variant in disease. Therefore, it has been classified as a Variant of Uncertain Significance. This sequence change replaces serine, which is neutral and polar, with proline, which is neutral and non-polar, at codon 280 of the MLC1 protein (p.Ser280Pro). This variant is not present in population databases (gnomAD no frequency). This variant has not been reported in the literature in individuals affected with MLC1-related conditions. Advanced modeling of protein sequence and biophysical properties (such as structural, functional, and spatial information, amino acid conservation, physicochemical variation, residue mobility, and thermodynamic stability) performed at Invitae indicates that this missense variant is not expected to disrupt MLC1 protein function.